The following is an entry in ClinVar:

NM_001291867.2(NHS):c.1089T>C (p.Ile363=)

Gene: NHS (NHS actin remodeling regulator; plus strand). Cytogenetic location: Xp22.13.
Variant type: single nucleotide variant.
Coding change: c.1089T>C on transcript NM_001291867.2 (MANE Select); coding-DNA position 1089, T replaced by C.
Protein change: p.Ile363=; no amino-acid change (isoleucine 363 retained).
Molecular consequence: synonymous variant.
Genome position (GRCh38, 1-based): chrX:17,721,614, T>C. VCF-style: chrX-17721614-T-C. GRCh37 (hg19) VCF-style: chrX-17739734-T-C.
Other names: c.558T>C, p.Ile186= (NM_001136024.4); c.495T>C, p.Ile165= (NM_001291868.2); c.1026T>C, p.Ile342= (NM_198270.4); c.1026T>C (NM_198270.3).
Identifiers: ClinVar variation 1769729 (VCV001769729.31), dbSNP rs148565653, ClinGen allele CA10358568.

ClinVar aggregate classification (germline): Benign/Likely benign. Review status: criteria provided, multiple submitters, no conflicts (2 of 4 stars). 5 submissions from 5 submitters: Benign (1); Likely benign (3). 1 of the submissions does not count toward it. Last evaluated 2025-06-23.

Conditions:
Nance-Horan syndrome (NHS). Identifiers: Orphanet 627, MedGen C0796085, MONDO:0010545, OMIM 302350.
NHS-related disorder. Also called: NHS-related condition.
Inborn genetic diseases. Identifiers: MedGen C0950123, MeSH D030342.

Allele frequency attached by ClinVar (database versions not stated): gnomAD exomes 0.00004; 1000 Genomes Project 30x 0.00021; ExAC 0.00024; 1000 Genomes Project 0.00026; gnomAD 0.00056; TOPMed 0.00067; ESP Exome Variant Server 0.00085.
gnomAD v4.1: 114 of 1,208,582 alleles (0.0094%); highest among the groups gnomAD compares: African/African-American, 0.16%; no homozygotes.

Submissions (5):

Labcorp Genetics (formerly Invitae), Labcorp
Classification: Benign for Nance-Horan syndrome. Last evaluated: 2025-06-23. Review status: criteria provided, single submitter. Criteria: Invitae Variant Classification Sherloc (09022015). Collection method: clinical testing. Allele origin: germline.

Blueprint Genetics
Classification: Likely benign. Last evaluated: 2024-07-11. Review status: criteria provided, single submitter. Criteria: ACMG Guidelines, 2015. Collection method: clinical testing. Allele origin: germline.

CeGaT Center for Human Genetics Tuebingen
Classification: Likely benign. Last evaluated: 2023-12-01. Review status: criteria provided, single submitter. Criteria: CeGaT Center For Human Genetics Tuebingen Variant Classification Criteria Version 2. Collection method: clinical testing. Allele origin: germline. Affected: yes. Observed: 1 variant allele.
Comment: NHS: BP4, BP7, BS2

Ambry Genetics
Classification: Likely benign for Inborn genetic diseases. Last evaluated: 2017-11-03. Review status: criteria provided, single submitter. Criteria: Ambry Variant Classification Scheme 2023. Collection method: clinical testing. Allele origin: germline.

PreventionGenetics, part of Exact Sciences
Classification: Likely benign for NHS-related condition. Last evaluated: 2019-03-25. Review status: no assertion criteria provided. Collection method: clinical testing. Allele origin: germline. Not counted in ClinVar's aggregate classification.
Comment: This variant is classified as likely benign based on ACMG/AMP sequence variant interpretation guidelines (Richards et al. 2015 PMID: 25741868, with internal and published modifications).